The following is an entry in ClinVar:

NM_000059.4(BRCA2):c.1476dup (p.Pro493fs)

Gene: BRCA2 (BRCA2 DNA repair associated; plus strand). Cytogenetic location: 13q13.1.
Variant type: Duplication.
Coding change: c.1476dup on transcript NM_000059.4 (MANE Select); coding-DNA position 1476, one base duplicated (T; older notation c.1476dupT).
Protein change: p.Pro493fs; shifts the reading frame from proline 493.
Molecular consequence: frameshift variant. On other transcripts: non-coding transcript variant (1), intron variant (1).
Genome position (GRCh38, 1-based): chr13:32,332,954, T duplicated. VCF-style (leftmost placement, unchanged base first): chr13-32332953-C-CT. GRCh37 (hg19) VCF-style: chr13-32907090-C-CT.
Other names: c.1476dup, p.Pro493fs (NM_001406719.1, NM_001406720.1, NM_001406721.1 and 1 more transcripts); c.424+1924dup (NM_001406722.1); short protein forms P493fs.
Identifiers: ClinVar variation 4856719 (VCV004856719.1).

ClinVar aggregate classification (germline): Pathogenic (1 of 4 stars; one submission).

Conditions:
Breast-ovarian cancer, familial, susceptibility to, 2 (BROVCA2). Also called: BRCA2 Hereditary Breast and Ovarian Cancer. Identifiers: Orphanet 145, MedGen C2675520, MONDO:0012933, OMIM 612555. Disease mechanism: loss of function.

Submission:

Myriad Genetics, Inc.
Classification: Pathogenic for Breast-ovarian cancer, familial, susceptibility to, 2. Last evaluated: 2026-01-13. Review status: criteria provided, single submitter. Criteria: Myriad Autosomal Dominant, Autosomal Recessive and X-Linked Classification Criteria (2023). Collection method: clinical testing. Allele origin: unknown.
Comment: This variant is considered pathogenic. This variant creates a frameshift predicted to result in premature protein truncation.